The following is an entry in ClinVar:

ClinVar aggregate classification (germline): Uncertain significance (1 of 4 stars; one submission).

Conditions:
Cardiovascular phenotype. Identifiers: MedGen CN230736.

Allele frequency attached by ClinVar (database versions not stated): gnomAD exomes below 0.00001; gnomAD 0.00002; TOPMed 0.00002.
gnomAD v4.1: 6 of 1,208,119 alleles (0.0005%); highest among the groups gnomAD compares: African/African-American, 0.0087%; no homozygotes.

Submission:

Ambry Genetics
Classification: Uncertain significance for Cardiovascular phenotype. Last evaluated: 2023-11-17. Review status: criteria provided, single submitter. Criteria: Ambry Variant Classification Scheme 2023. Collection method: clinical testing. Allele origin: germline.
Comment: The p.R782I variant (also known as c.2345G>T), located in coding exon 19 of the DMD gene, results from a G to T substitution at nucleotide position 2345. The arginine at codon 782 is replaced by isoleucine, an amino acid with similar properties. Based on data from gnomAD, the T allele has an overall frequency of <0.01% (1/179091) total alleles studied, with 0 hemizygote(s) observed. The highest observed frequency was <0.01% (1/12989) of African alleles. This amino acid position is highly conserved in available vertebrate species. In addition, the in silico prediction for this alteration is inconclusive. Since supporting evidence is limited at this time, the clinical significance of this alteration remains unclear.

NM_004006.3(DMD):c.2345G>T (p.Arg782Ile)

Gene: DMD (dystrophin; minus strand). Cytogenetic location: Xp21.1.
Variant type: single nucleotide variant.
Coding change: c.2345G>T on transcript NM_004006.3 (MANE Select); coding-DNA position 2345, G replaced by T.
Protein change: p.Arg782Ile; replaces arginine 782 with isoleucine.
Molecular consequence: missense variant.
Genome position (GRCh38, 1-based): chrX:32,501,790, C>A on the plus strand (G>T on the coding strand, the complement: DMD is on the minus strand). VCF-style: chrX-32501790-C-A. GRCh37 (hg19) VCF-style: chrX-32519907-C-A.
Other names: c.2321G>T, p.Arg774Ile (NM_000109.4); c.2333G>T, p.Arg778Ile (NM_004009.3); c.1976G>T, p.Arg659Ile (NM_004010.3); short protein forms R659I, R774I, R778I, R782I.
Identifiers: ClinVar variation 3223647 (VCV003223647.1), dbSNP rs1357007720, ClinGen allele CA412673618.